The following is an entry in ClinVar:

ClinVar aggregate classification (germline): Uncertain significance. Review status: criteria provided, multiple submitters, no conflicts (2 of 4 stars). 2 submissions from 2 submitters: Uncertain significance (2). Last evaluated 2025-11-02.

Allele frequency attached by ClinVar (database versions not stated): TOPMed below 0.00001; gnomAD 0.00001; ESP Exome Variant Server 0.00008.
gnomAD v4.1: 14 of 1,614,100 alleles (0.00087%); highest among the groups gnomAD compares: Non-Finnish European, 0.0012%; no homozygotes.

Submissions (2):

Ambry Genetics
Classification: Uncertain significance. Last evaluated: 2025-11-02. Review status: criteria provided, single submitter. Criteria: Ambry Variant Classification Scheme 2023. Collection method: clinical testing. Allele origin: germline.

Labcorp Genetics (formerly Invitae), Labcorp
Classification: Uncertain significance. Last evaluated: 2025-05-02. Review status: criteria provided, single submitter. Criteria: Invitae Variant Classification Sherloc (09022015). Collection method: clinical testing. Allele origin: germline.
Comment: This sequence change replaces valine, which is neutral and non-polar, with leucine, which is neutral and non-polar, at codon 33 of the ARNT2 protein (p.Val33Leu). This variant is present in population databases (rs372933117, gnomAD 0.008%). This variant has not been reported in the literature in individuals affected with ARNT2-related conditions. ClinVar contains an entry for this variant (Variation ID: 1427144). An algorithm developed to predict the effect of missense changes on protein structure and function (PolyPhen-2) suggests that this variant is likely to be tolerated. In summary, the available evidence is currently insufficient to determine the role of this variant in disease. Therefore, it has been classified as a Variant of Uncertain Significance.

NM_014862.4(ARNT2):c.97G>C (p.Val33Leu)

Gene: ARNT2 (aryl hydrocarbon receptor nuclear translocator 2; plus strand). Cytogenetic location: 15q25.1.
Variant type: single nucleotide variant.
Coding change: c.97G>C on transcript NM_014862.4 (MANE Select); coding-DNA position 97, G replaced by C.
Protein change: p.Val33Leu; replaces valine 33 with leucine.
Molecular consequence: missense variant.
Genome position (GRCh38, 1-based): chr15:80,450,945, G>C. VCF-style: chr15-80450945-G-C. GRCh37 (hg19) VCF-style: chr15-80743286-G-C.
Other names: c.97G>C (NM_014862.3); short protein forms V33L.
Identifiers: ClinVar variation 1427144 (VCV001427144.9), dbSNP rs372933117, ClinGen allele CA7691606.